The following is an entry in ClinVar:

NM_000548.5(TSC2):c.1979G>A (p.Ser660Asn)

Gene: TSC2 (TSC complex subunit 2; plus strand). Cytogenetic location: 16p13.3.
Variant type: single nucleotide variant.
Coding change: c.1979G>A on transcript NM_000548.5 (MANE Select); coding-DNA position 1979, G replaced by A.
Protein change: p.Ser660Asn; replaces serine 660 with asparagine.
Molecular consequence: missense variant.
Genome position (GRCh38, 1-based): chr16:2,071,816, G>A. VCF-style: chr16-2071816-G-A. GRCh37 (hg19) VCF-style: chr16-2121817-G-A.
Other names: c.1979G>A, p.Ser660Asn (NM_001077183.3, NM_001114382.3, NM_001363528.2 and 3 more transcripts); c.1868G>A, p.Ser623Asn (NM_001318827.2); c.1832G>A, p.Ser611Asn (NM_001318829.2); c.1379G>A, p.Ser460Asn (NM_001318831.2); c.2012G>A, p.Ser671Asn (NM_001318832.2); short protein forms S660N, S611N, S460N, S671N, S623N.
Identifiers: ClinVar variation 237973 (VCV000237973.22), dbSNP rs754504918, ClinGen allele CA035397.
Genomic context (GRCh38, chr16:2,071,816, plus strand): 5'-GCCTCAGCTGCTTCTCTTGCTTCTGCAGGGAGCCAGAGAGAGGCTCTGAGAAGAAGACCA[G>A]CGGCCCCCTTTCTCCTCCCACAGGGCCTCCTGGCCCGGCGCCTGCAGGCCCCGCCGTGCG-3'
Protein context (NP_000539.2, residues 650-670): EPERGSEKKT[Ser660Asn]GPLSPPTGPP

ClinVar aggregate classification (germline): Conflicting classifications of pathogenicity. Review status: criteria provided, conflicting classifications (1 of 4 stars). 5 submissions from 5 submitters: Uncertain significance (3); Benign (2). Last evaluated 2026-03-25.

Conditions:
Hereditary cancer-predisposing syndrome. Also called: Neoplastic Syndromes, Hereditary; Hereditary Cancer Syndrome; Tumor predisposition; Hereditary neoplastic syndrome. Identifiers: Orphanet 140162, MedGen C0027672, MeSH D009386, MONDO:0015356.
Tuberous sclerosis syndrome (TSC). Also called: Tuberous Sclerosis Complex; Tuberous sclerosis. Identifiers: Orphanet 805, MedGen C0041341, MONDO:0001734.
Tuberous sclerosis 2 (TSC2). Identifiers: Orphanet 805, MedGen C1860707, MONDO:0013199, OMIM 613254.

Allele frequency attached by ClinVar (database versions not stated): gnomAD exomes 0.00001; ExAC below 0.00001.
gnomAD v4.1: 3 of 1,602,504 alleles (0.00019%); highest among the groups gnomAD compares: Non-Finnish European, 0.00026%; no homozygotes.

Submissions (5):

Ambry Genetics
Classification: Benign for Hereditary cancer-predisposing syndrome. Last evaluated: 2026-03-25. Review status: criteria provided, single submitter. Criteria: Ambry Variant Classification Scheme 2023. Collection method: clinical testing. Allele origin: germline.

Labcorp Genetics (formerly Invitae), Labcorp
Classification: Benign for Tuberous sclerosis 2. Last evaluated: 2025-12-18. Review status: criteria provided, single submitter. Criteria: Invitae Variant Classification Sherloc (09022015). Collection method: clinical testing. Allele origin: germline.

All of Us Research Program, National Institutes of Health
Classification: Uncertain significance for Tuberous sclerosis syndrome. Last evaluated: 2024-07-10. Review status: criteria provided, single submitter. Criteria: ACMG Guidelines, 2015. Collection method: clinical testing. Allele origin: germline. Inheritance: Autosomal dominant inheritance. Observed: 3 variant alleles, 3 heterozygotes.
Comment: This missense variant replaces serine with asparagine at codon 660 of the TSC2 protein. Computational prediction suggests that this variant may not impact protein structure and function (internally defined REVEL score threshold <= 0.5, PMID: 27666373). To our knowledge, functional studies have not been reported for this variant. This variant has not been reported in individuals affected with TSC2-related disorders in the literature. This variant has not been identified in the general population by the Genome Aggregation Database (gnomAD). The available evidence is insufficient to determine the role of this variant in disease conclusively. Therefore, this variant is classified as a Variant of Uncertain Significance.

This study involves interpretation of variants in research participants for the purpose of population health screening. Participant phenotype was not available at the time of variant classification. Additional details can be found in publication PMID: 35346344, PMCID: PMC8962531

Genome-Nilou Lab
Classification: Uncertain significance for Tuberous sclerosis 2. Last evaluated: 2021-11-07. Review status: criteria provided, single submitter. Criteria: ACMG Guidelines, 2015. Collection method: clinical testing. Allele origin: germline. Affected: no.

Eurofins Ntd Llc (ga)
Classification: Uncertain significance. Last evaluated: 2018-04-23. Review status: criteria provided, single submitter. Criteria: EGL ClinVar v180209 classification definitions. Collection method: clinical testing. Allele origin: germline. Observed: 1 variant allele, 1 heterozygote.